The following is an entry in ClinVar:

NM_000111.3(SLC26A3):c.1953_1954inv (p.Asp652Asn)

Gene: SLC26A3 (solute carrier family 26 member 3; minus strand). Cytogenetic location: 7q22.3.
Variant type: Inversion.
Coding change: c.1953_1954inv on transcript NM_000111.3 (MANE Select).
Protein change: p.Asp652Asn; replaces aspartic acid 652 with asparagine.
Molecular consequence: missense variant.
Genome position: GRCh38 VCF-style: chr7-107773973-CA-TG. GRCh37 (hg19) VCF-style: chr7-107414418-CA-TG.
Other names: short protein forms D652N.
Identifiers: ClinVar variation 1405729 (VCV001405729.8), ClinGen allele CA2573141482.

ClinVar aggregate classification (germline): Conflicting classifications of pathogenicity. Review status: criteria provided, conflicting classifications (1 of 4 stars). 2 submissions from 2 submitters: Likely pathogenic (1); Uncertain significance (1). Last evaluated 2025-11-28.

Conditions:
Congenital secretory diarrhea, chloride type (DIAR1). Also called: CHLORIDE DIARRHEA, CONGENITAL, FINNISH TYPE; CHLORIDORRHEA, CONGENITAL; DIARRHEA 1, SECRETORY CHLORIDE, CONGENITAL. Identifiers: Orphanet 53689, MedGen C0267662, MONDO:0008964, OMIM 214700.

Submissions (2):

Labcorp Genetics (formerly Invitae), Labcorp
Classification: Uncertain significance. Last evaluated: 2025-11-28. Review status: criteria provided, single submitter. Criteria: Invitae Variant Classification Sherloc (09022015). Collection method: clinical testing. Allele origin: germline.
Comment: This sequence change replaces aspartic acid, which is acidic and polar, with asparagine, which is neutral and polar, at codon 652 of the SLC26A3 protein (p.Asp652Asn). Information on the frequency of this variant in the gnomAD database is not available, as this variant may be reported differently in the database. This missense change has been observed in individual(s) with congenital diarrhea (PMID: 19861545, 21394828; internal data). In at least one individual the data is consistent with being in trans (on the opposite chromosome) from a pathogenic variant. ClinVar contains an entry for this variant (Variation ID: 1405729). Experimental studies and prediction algorithms are not available or were not evaluated, and the functional significance of this variant is currently unknown. In summary, the available evidence is currently insufficient to determine the role of this variant in disease. Therefore, it has been classified as a Variant of Uncertain Significance.

Rady Children's Institute for Genomic Medicine, Rady Children's Hospital San Diego
Classification: Likely pathogenic for Congenital secretory chloride diarrhea. Last evaluated: 2025-10-29. Review status: criteria provided, single submitter. Criteria: ACMG Guidelines, 2015. Collection method: clinical testing. Allele origin: germline. Affected: yes.
Comment: This variant may also be referred to as c.1953_1954delinsCA (p.Asp652Asn) and may be reported as c.1954G>A (p.Asp652Asn) when the adjacent high frequency variant (c.1953T>C) is not included in the variant name. The p.Asp652Asn variant affects a highly conserved amino acid and is predicted by multiple in silico tools to have a deleterious effect on protein function. This variant has been previously reported as a homozygous or compound heterozygous change in patients with congenital chloride diarrhea (PMID: 19861545, 36964972, 22277064, 38303675). The c.1953_1954inv variant is not present in the latest version of the gnomAD population database. However, the component variants, c.1954G>A (p.Asp652Asn) and c.1953T>C (p.Leu651Leu) are present at allele frequencies of 0.001% (16/1613940) and 99% (1598275/1614184), respectively, and the c.1954G>A (p.Asp652Asn) variant is absent in the homozygous state. Thus, the p.Asp652Asn missense variant is presumed to be rare. Based on the available evidence, c.1953_1954inv (p.Asp652Asn) is classified as Likely Pathogenic. <b> Gene Information:</b> The SLC26A3 gene is located on chromosome 7q22.3-q31.1 and encodes solute carrier family 26 member 3, which is necessary for chloride absorption in the intestine and is highly expressed in gastrointestinal, renal, and pancreatic tissues (PMID: 30118583). <b>BeginNGS Disease Association:</b> Autosomal recessive congenital secretory chloride diarrhea (MIM: # 214700) <b>Disease Resources:</b> Clinical information and management recommendations for congenital secretory chloride diarrhea are available in a recent review article (PMID: 39283520).

Literature cited by the submitters: PubMed 19861545 (cited by Labcorp Genetics (formerly Invitae), Labcorp and Rady Children's Institute for Genomic Medicine, Rady Children's Hospital San Diego); PubMed 21394828 (cited by Labcorp Genetics (formerly Invitae), Labcorp); PubMed 22277064 (cited by Rady Children's Institute for Genomic Medicine, Rady Children's Hospital San Diego); PubMed 36964972 (cited by Rady Children's Institute for Genomic Medicine, Rady Children's Hospital San Diego); PubMed 38303675 (cited by Rady Children's Institute for Genomic Medicine, Rady Children's Hospital San Diego).